The following is an entry in ClinVar:

ClinVar aggregate classification (germline): Pathogenic (1 of 4 stars; one submission).

Submission:

Labcorp Genetics (formerly Invitae), Labcorp
Classification: Pathogenic. Last evaluated: 2022-08-05. Review status: criteria provided, single submitter. Criteria: Invitae Variant Classification Sherloc (09022015). Collection method: clinical testing. Allele origin: germline.
Comment: This variant is a gross deletion of the genomic region encompassing exon(s) 10 of the RARS2 gene. This deletion is out-of-frame, and is expected to create a premature termination codon and result in an absent or disrupted protein product. Loss-of-function variants in RARS2 are known to be pathogenic (PMID: 17847012, 22569581, 26083569). This variant has not been reported in the literature in individuals affected with RARS2-related conditions. For these reasons, this variant has been classified as Pathogenic.

Literature cited by the submitters: PubMed 17847012; PubMed 22569581; PubMed 26083569.

NC_000006.12:g.(?_87529532)_(87529658_?)del

Gene: RARS2 (arginyl-tRNA synthetase 2, mitochondrial; minus strand). Cytogenetic location: 6q15.
Variant type: Deletion.
Identifiers: ClinVar variation 832483 (VCV000832483.2).